The following is an entry in ClinVar:

NM_006494.4(ERF):c.1262C>T (p.Pro421Leu)

Gene: ERF (ETS2 repressor factor; minus strand). Cytogenetic location: 19q13.2.
Variant type: single nucleotide variant.
Coding change: c.1262C>T on transcript NM_006494.4 (MANE Select); coding-DNA position 1262, C replaced by T.
Protein change: p.Pro421Leu; replaces proline 421 with leucine.
Molecular consequence: missense variant.
Genome position (GRCh38, 1-based): chr19:42,248,850, G>A on the plus strand (C>T on the coding strand, the complement: ERF is on the minus strand). VCF-style: chr19-42248850-G-A. GRCh37 (hg19) VCF-style: chr19-42753002-G-A.
Other names: c.1262C>T (NM_006494.2); c.1037C>T, p.Pro346Leu (NM_001301035.2, NM_001308402.2, NM_001312656.2); short protein forms P346L, P421L.
Identifiers: ClinVar variation 800173 (VCV000800173.13), dbSNP rs533363033, ClinGen allele CA9471206.

ClinVar aggregate classification (germline): Likely benign. Review status: criteria provided, multiple submitters, no conflicts (2 of 4 stars). 4 submissions from 4 submitters: Likely benign (4). Last evaluated 2026-04-29.

Conditions:
TWIST1-related craniosynostosis (CRS1). Also called: CRANIOSYNOSTOSIS 1. Identifiers: Orphanet 63440, MedGen C4551902, MONDO:0007399, OMIM 123100. Inheritance: Heterogenous inheritance pattern.
ERF-related disorder. Also called: ERF-related condition; ERF-related disorders.
Chitayat syndrome (CHYTS). Identifiers: MedGen C4310679, MONDO:0014956, OMIM 617180.
Lambdoidal craniosynostosis. Identifiers: MedGen C1833340, HP:0004443.
Inborn genetic diseases. Identifiers: MedGen C0950123, MeSH D030342.

Allele frequency attached by ClinVar (database versions not stated): gnomAD exomes 0.00010 and 0.00031; 1000 Genomes Project 0.00020; TOPMed 0.00037; gnomAD 0.00040 and 0.00043; ExAC 0.00011; 1000 Genomes Project 30x 0.00016.
gnomAD v4.1: 206 of 1,610,318 alleles (0.013%); highest among the groups gnomAD compares: Admixed American, 0.24%; 1 homozygote.

Submissions (4):

PreventionGenetics, part of Exact Sciences
Classification: Likely benign for ERF-related condition. Last evaluated: 2026-04-29. Review status: criteria provided, single submitter. Criteria: ACMG Guidelines, 2015. Collection method: clinical testing. Allele origin: germline.
Comment: This variant is classified as likely benign based on ACMG/AMP sequence variant interpretation guidelines (Richards et al. 2015 PMID: 25741868, with internal and published modifications).

Labcorp Genetics (formerly Invitae), Labcorp
Classification: Likely benign for TWIST1-related craniosynostosis. Last evaluated: 2025-03-19. Review status: criteria provided, single submitter. Criteria: Invitae Variant Classification Sherloc (09022015). Collection method: clinical testing. Allele origin: germline.

Department of Pathology and Laboratory Medicine, Sinai Health System
Classification: Likely benign for Craniosynostosis 4; Chitayat syndrome. Last evaluated: 2021-11-05. Review status: criteria provided, single submitter. Criteria: ACMG Guidelines, 2015. Collection method: research. Allele origin: germline.

Ambry Genetics
Classification: Likely benign for Inborn genetic diseases. Last evaluated: 2021-06-15. Review status: criteria provided, single submitter. Criteria: Ambry Variant Classification Scheme 2023. Collection method: clinical testing. Allele origin: germline.